The following is an entry in ClinVar:

ClinVar aggregate classification (germline): Likely pathogenic (1 of 4 stars; one submission).

Conditions:
Walker-Warburg congenital muscular dystrophy. Also called: Muscular dystrophy-dystroglycanopathy, type A; Walker-Warburg syndrome. Identifiers: Orphanet 899, MedGen C0265221, MONDO:0000171.

Submission:

Labcorp Genetics (formerly Invitae), Labcorp
Classification: Likely pathogenic for Walker-Warburg congenital muscular dystrophy. Last evaluated: 2024-10-24. Review status: criteria provided, single submitter. Criteria: Invitae Variant Classification Sherloc (09022015). Collection method: clinical testing. Allele origin: germline.
Comment: This sequence change replaces valine, which is neutral and non-polar, with leucine, which is neutral and non-polar, at codon 363 of the FKRP protein (p.Val363Leu). This variant is not present in population databases (gnomAD no frequency). This variant has not been reported in the literature in individuals affected with FKRP-related conditions. Invitae Evidence Modeling of protein sequence and biophysical properties (such as structural, functional, and spatial information, amino acid conservation, physicochemical variation, residue mobility, and thermodynamic stability) indicates that this missense variant is expected to disrupt FKRP protein function with a positive predictive value of 95%. This variant disrupts the p.Val363 amino acid residue in FKRP. Other variant(s) that disrupt this residue have been determined to be pathogenic (PMID: 32429923). This suggests that this residue is clinically significant, and that variants that disrupt this residue are likely to be disease-causing. In summary, the currently available evidence indicates that the variant is pathogenic, but additional data are needed to prove that conclusively. Therefore, this variant has been classified as Likely Pathogenic.

Literature cited by the submitters: PubMed 32429923.

NM_024301.5(FKRP):c.1087G>C (p.Val363Leu)

Gene: FKRP (fukutin related protein; plus strand). Cytogenetic location: 19q13.32.
Variant type: single nucleotide variant.
Coding change: c.1087G>C on transcript NM_024301.5 (MANE Select); coding-DNA position 1087, G replaced by C.
Protein change: p.Val363Leu; replaces valine 363 with leucine.
Molecular consequence: missense variant.
Genome position (GRCh38, 1-based): chr19:46,756,537, G>C. VCF-style: chr19-46756537-G-C. GRCh37 (hg19) VCF-style: chr19-47259794-G-C.
Other names: c.1087G>C, p.Val363Leu (NM_001039885.3); short protein forms V363L.
Identifiers: ClinVar variation 3719693 (VCV003719693.2).
Genomic context (GRCh38, chr19:46,756,537, plus strand): 5'-GAGGGCGGCTCACTGCTGGGGGCCGCCCGCCACGGGGACATCATCCCATGGGACTACGAC[G>C]TGGACCTGGGCATCTACTTGGAGGACGTGGGCAACTGCGAGCAGCTGCGGGGGGCAGAGG-3'
Protein context (NP_077277.1, residues 353-373): HGDIIPWDYD[Val363Leu]DLGIYLEDVG